The following is an entry in ClinVar:

NM_206933.4(USH2A):c.12863C>T (p.Pro4288Leu)

Gene: USH2A (usherin; minus strand). Cytogenetic location: 1q41.
Variant type: single nucleotide variant.
Coding change: c.12863C>T on transcript NM_206933.4 (MANE Select); coding-DNA position 12863, C replaced by T.
Protein change: p.Pro4288Leu; replaces proline 4288 with leucine.
Molecular consequence: missense variant.
Genome position (GRCh38, 1-based): chr1:215,675,048, G>A on the plus strand (C>T on the coding strand, the complement: USH2A is on the minus strand). VCF-style: chr1-215675048-G-A. GRCh37 (hg19) VCF-style: chr1-215848390-G-A.
Other names: short protein forms P4288L.
Identifiers: ClinVar variation 2008397 (VCV002008397.4), dbSNP rs1352720909, ClinGen allele CA344848617.
Genomic context (GRCh38, chr1:215,675,048, plus strand): 5'-GGATAGAGCATTTCATTCCTTTGAAGCCTATAGGACTGGATAATACCATTAGACTGTTCT[G>A]GTGGGATCCAGGAAATCAGCAGTTTTTGGGGATTCATAGAAACATAGGATATCACAGGTG-3'
Protein context (NP_996816.3, residues 4278-4298): PQKLLISWIP[Pro4288Leu]EQSNGIIQSY

ClinVar aggregate classification (germline): Uncertain significance (1 of 4 stars; one submission).

Allele frequency attached by ClinVar (database versions not stated): gnomAD exomes below 0.00001.

Submission:

Labcorp Genetics (formerly Invitae), Labcorp
Classification: Uncertain significance. Last evaluated: 2022-08-30. Review status: criteria provided, single submitter. Criteria: Invitae Variant Classification Sherloc (09022015). Collection method: clinical testing. Allele origin: germline.
Comment: This sequence change replaces proline, which is neutral and non-polar, with leucine, which is neutral and non-polar, at codon 4288 of the USH2A protein (p.Pro4288Leu). This variant is present in population databases (no rsID available, gnomAD 0.003%). This variant has not been reported in the literature in individuals affected with USH2A-related conditions. Algorithms developed to predict the effect of missense changes on protein structure and function (SIFT, PolyPhen-2, Align-GVGD) all suggest that this variant is likely to be disruptive. In summary, the available evidence is currently insufficient to determine the role of this variant in disease. Therefore, it has been classified as a Variant of Uncertain Significance.